The following is an entry in ClinVar:

ClinVar aggregate classification (germline): Uncertain significance (1 of 4 stars; one submission).

Conditions:
Deficiency of malonyl-CoA decarboxylase. Also called: Malonic aciduria; MCD deficiency. Identifiers: Orphanet 943, MedGen C0342793, MONDO:0009556, OMIM 248360.

gnomAD v4.1: 2 of 1,614,036 alleles (0.00012%); highest among the groups gnomAD compares: Non-Finnish European, 0.00017%; no homozygotes.

Submission:

Labcorp Genetics (formerly Invitae), Labcorp
Classification: Uncertain significance for Deficiency of malonyl-CoA decarboxylase. Last evaluated: 2022-02-08. Review status: criteria provided, single submitter. Criteria: Invitae Variant Classification Sherloc (09022015). Collection method: clinical testing. Allele origin: germline.
Comment: This sequence change replaces glutamic acid, which is acidic and polar, with aspartic acid, which is acidic and polar, at codon 248 of the MLYCD protein (p.Glu248Asp). This variant is present in population databases (rs202012613, gnomAD 0.0009%). This variant has not been reported in the literature in individuals affected with MLYCD-related conditions. Algorithms developed to predict the effect of missense changes on protein structure and function output the following: SIFT: "Tolerated"; PolyPhen-2: "Benign"; Align-GVGD: "Class C0". The aspartic acid amino acid residue is found in multiple mammalian species, which suggests that this missense change does not adversely affect protein function. In summary, the available evidence is currently insufficient to determine the role of this variant in disease. Therefore, it has been classified as a Variant of Uncertain Significance.

NM_012213.3(MLYCD):c.744G>C (p.Glu248Asp)

Gene: MLYCD (malonyl-CoA decarboxylase; plus strand). Cytogenetic location: 16q23.3.
Variant type: single nucleotide variant.
Coding change: c.744G>C on transcript NM_012213.3 (MANE Select); coding-DNA position 744, G replaced by C.
Protein change: p.Glu248Asp; replaces glutamic acid 248 with aspartic acid.
Molecular consequence: missense variant.
Genome position (GRCh38, 1-based): chr16:83,908,228, G>C. VCF-style: chr16-83908228-G-C. GRCh37 (hg19) VCF-style: chr16-83941833-G-C.
Other names: short protein forms E248D.
Identifiers: ClinVar variation 1504684 (VCV001504684.3), dbSNP rs202012613, ClinGen allele CA8197354.